The following is an entry in ClinVar:

ClinVar aggregate classification (germline): Uncertain significance. Review status: criteria provided, multiple submitters, no conflicts (2 of 4 stars). 2 submissions from 2 submitters: Uncertain significance (2). Last evaluated 2025-08-24.

Conditions:
Neuroblastoma (NB). Identifiers: Orphanet 635, MedGen C0027819, MeSH D009447, MONDO:0005072, HP:0003006.

Submissions (2):

Ambry Genetics
Classification: Uncertain significance. Last evaluated: 2025-08-24. Review status: criteria provided, single submitter. Criteria: Ambry Variant Classification Scheme 2023. Collection method: clinical testing. Allele origin: germline.
Comment: The p.D387N variant (also known as c.1159G>A), located in coding exon 11 of the KIF1B gene, results from a G to A substitution at nucleotide position 1159. The aspartic acid at codon 387 is replaced by asparagine, an amino acid with highly similar properties. This amino acid position is conserved. In addition, this alteration is predicted to be tolerated by in silico analysis. Based on the available evidence, the clinical significance of this variant remains unclear.

Illumina Laboratory Services, Illumina
Classification: Uncertain significance for Neuroblastoma. Last evaluated: 2018-01-13. Review status: criteria provided, single submitter. Criteria: ICSL Variant Classification Criteria 13 December 2019. Collection method: clinical testing. Allele origin: germline.

NM_001365951.3(KIF1B):c.1177G>A (p.Asp393Asn)

Gene: KIF1B (kinesin family member 1B; plus strand). Cytogenetic location: 1p36.22.
Variant type: single nucleotide variant.
Coding change: c.1177G>A on transcript NM_001365951.3 (MANE Select); coding-DNA position 1177, G replaced by A.
Protein change: p.Asp393Asn; replaces aspartic acid 393 with asparagine.
Molecular consequence: missense variant.
Genome position (GRCh38, 1-based): chr1:10,278,125, G>A. VCF-style: chr1-10278125-G-A. GRCh37 (hg19) VCF-style: chr1-10338183-G-A.
Other names: c.1177G>A, p.Asp393Asn (NM_001365952.1); c.1159G>A, p.Asp387Asn (NM_001365953.1, NM_015074.3, NM_183416.4); short protein forms D387N, D393N.
Identifiers: ClinVar variation 291513 (VCV000291513.6), dbSNP rs377570278, ClinGen allele CA10607212.